The following is an entry in ClinVar:

NM_000441.2(SLC26A4):c.2323A>G (p.Met775Val)

Gene: SLC26A4 (solute carrier family 26 member 4; plus strand). Cytogenetic location: 7q22.3.
Variant type: single nucleotide variant.
Coding change: c.2323A>G on transcript NM_000441.2 (MANE Select); coding-DNA position 2323, A replaced by G.
Protein change: p.Met775Val; replaces methionine 775 with valine.
Molecular consequence: missense variant.
Genome position (GRCh38, 1-based): chr7:107,715,426, A>G. VCF-style: chr7-107715426-A-G. GRCh37 (hg19) VCF-style: chr7-107355871-A-G.
Other names: short protein forms M775V.
Identifiers: ClinVar variation 1710768 (VCV001710768.2), dbSNP rs1389612372, ClinGen allele CA368847299.

ClinVar aggregate classification (germline): Uncertain significance (1 of 4 stars; one submission).

Allele frequency attached by ClinVar (database versions not stated): TOPMed below 0.00001; gnomAD exomes 0.00002.
gnomAD v4.1: 31 of 1,613,422 alleles (0.0019%); highest among the groups gnomAD compares: Non-Finnish European, 0.0026%; no homozygotes.

Submission:

GeneDx
Classification: Uncertain significance. Last evaluated: 2022-10-14. Review status: criteria provided, single submitter. Criteria: GeneDx Variant Classification Process June 2021. Collection method: clinical testing. Allele origin: germline. Affected: yes.
Comment: Not observed at significant frequency in large population cohorts (gnomAD); In silico analysis supports that this missense variant does not alter protein structure/function; Has not been previously published as pathogenic or benign to our knowledge